The following is an entry in ClinVar:

ClinVar aggregate classification (germline): Uncertain significance (1 of 4 stars; one submission).

gnomAD v4.1: 1 of 1,604,580 alleles (0.000062%); highest among the groups gnomAD compares: African/African-American, 0.0013%; no homozygotes.

Submission:

GeneDx
Classification: Uncertain significance. Last evaluated: 2025-06-13. Review status: criteria provided, single submitter. Criteria: GeneDx Variant Classification Process June 2021. Collection method: clinical testing. Allele origin: germline. Affected: yes.
Comment: Not observed at significant frequency in large population cohorts (gnomAD); In silico analysis supports that this missense variant has a deleterious effect on protein structure/function; Has not been previously published as pathogenic or benign to our knowledge

NM_001393769.1(MED12L):c.4916A>G (p.Lys1639Arg)

Genes: MED12L (mediator complex subunit 12L; plus strand), P2RY12 (purinergic receptor P2Y12; minus strand). Cytogenetic location: 3q25.1.
Variant type: single nucleotide variant.
Coding change: c.4916A>G on transcript NM_001393769.1 (MANE Select); coding-DNA position 4916, A replaced by G.
Protein change: p.Lys1639Arg; replaces lysine 1639 with arginine.
Molecular consequence: missense variant. On other transcripts: intron variant (1).
Genome position (GRCh38, 1-based): chr3:151,384,208, A>G. VCF-style: chr3-151384208-A-G. GRCh37 (hg19) VCF-style: chr3-151101996-A-G.
Other names: c.4811A>G, p.Lys1604Arg (NM_053002.6); c.-180+484T>C (NM_022788.5); short protein forms K1604R, K1639R.
Identifiers: ClinVar variation 4537795 (VCV004537795.1).